The following is an entry in ClinVar:

ClinVar aggregate classification (germline): Uncertain significance (1 of 4 stars; one submission).

Conditions:
Cohen syndrome (COH1). Also called: PEPPER SYNDROME; Cutis verticis gyrata, retinitis pigmentosa, and sensorineural deafness. Identifiers: Orphanet 193, MedGen C0265223, MONDO:0008999, OMIM 216550.

Allele frequency attached by ClinVar (database versions not stated): gnomAD exomes below 0.00001.
gnomAD v4.1: 2 of 1,613,944 alleles (0.00012%); highest among the groups gnomAD compares: South Asian, 0.0011%; no homozygotes.

Submission:

Labcorp Genetics (formerly Invitae), Labcorp
Classification: Uncertain significance for Cohen syndrome. Last evaluated: 2022-08-05. Review status: criteria provided, single submitter. Criteria: Invitae Variant Classification Sherloc (09022015). Collection method: clinical testing. Allele origin: germline.
Comment: This sequence change replaces isoleucine, which is neutral and non-polar, with threonine, which is neutral and polar, at codon 3205 of the VPS13B protein (p.Ile3205Thr). This variant is present in population databases (no rsID available, gnomAD 0.004%). This variant has not been reported in the literature in individuals affected with VPS13B-related conditions. Algorithms developed to predict the effect of missense changes on protein structure and function are either unavailable or do not agree on the potential impact of this missense change (SIFT: "Not Available"; PolyPhen-2: "Benign"; Align-GVGD: "Not Available"). In summary, the available evidence is currently insufficient to determine the role of this variant in disease. Therefore, it has been classified as a Variant of Uncertain Significance.

NM_152564.5(VPS13B):c.9539T>C (p.Ile3180Thr)

Gene: VPS13B (vacuolar protein sorting 13 homolog B; plus strand). Cytogenetic location: 8q22.2.
Variant type: single nucleotide variant.
Coding change: c.9539T>C on transcript NM_152564.5 (MANE Select); coding-DNA position 9539, T replaced by C.
Protein change: p.Ile3180Thr; replaces isoleucine 3180 with threonine.
Molecular consequence: missense variant.
Genome position (GRCh38, 1-based): chr8:99,832,577, T>C. VCF-style: chr8-99832577-T-C. GRCh37 (hg19) VCF-style: chr8-100844805-T-C.
Other names: c.9614T>C, p.Ile3205Thr (NM_017890.5); short protein forms I3205T, I3180T.
Identifiers: ClinVar variation 2140215 (VCV002140215.1), dbSNP rs1252041105, ClinGen allele CA371781859.